The following is an entry in ClinVar:

NM_147127.5(EVC2):c.1209del (p.Ser403fs)

Genes: EVC2 (EvC ciliary complex subunit 2; minus strand), LOC126806961 (BRD4-independent group 4 enhancer GRCh37_chr4:5641443-5642642; plus strand). Cytogenetic location: 4p16.2.
Variant type: Deletion.
Coding change: c.1209del on transcript NM_147127.5 (MANE Select); coding-DNA position 1209, one base deleted (C; older notation c.1209delC).
Protein change: p.Ser403fs; shifts the reading frame from serine 403.
Molecular consequence: frameshift variant.
Genome position (GRCh38, 1-based): chr4:5,640,775, G deleted on the plus strand (C on the coding strand, the reverse complement: EVC2 is on the minus strand). VCF-style (leftmost placement, unchanged base first): chr4-5640774-TG-T. GRCh37 (hg19) VCF-style: chr4-5642501-TG-T.
Other names: c.969del, p.Ser323fs (NM_001166136.2); short protein forms S323fs, S403fs.
Identifiers: ClinVar variation 5012581 (VCV005012581.1).

ClinVar aggregate classification (germline): Pathogenic (1 of 4 stars; one submission).

Conditions:
Ellis-van Creveld syndrome (EVC). Also called: MESOECTODERMAL DYSPLASIA; Chondroectodermal dysplasia. Identifiers: Orphanet 289, MedGen C0013903, MONDO:0009162, OMIM 225500.

Submission:

Myriad Genetics, Inc.
Classification: Pathogenic for Ellis-van Creveld syndrome. Last evaluated: 2023-12-17. Review status: criteria provided, single submitter. Criteria: Myriad Autosomal Dominant, Autosomal Recessive and X-Linked Classification Criteria (2023). Collection method: clinical testing. Allele origin: unknown.
Comment: NM_147127.4(EVC2):c.1209delC(S403Rfs*9) is expected to be pathogenic in the context of EVC2-related Ellis-van Creveld syndrome. This variant is predicted to lead to an abnormal or absent protein product due to the creation of a premature termination codon in EVC2, a gene where loss-of-function variants are known to be pathogenic. Please note: this variant was assessed in the context of healthy population screening.